The following is an entry in ClinVar:

ClinVar aggregate classification (germline): Pathogenic (1 of 4 stars; one submission).

Conditions:
Joubert syndrome 18 (JBTS18). Identifiers: Orphanet 2754, MedGen C3553758, MONDO:0013896, OMIM 614815.
Orofacial-digital syndrome IV (OFD4). Also called: BARAITSER-BURN SYNDROME; OFD SYNDROME WITH TIBIAL DEFECTS; OFD SYNDROME, BARAITSER-BURN TYPE; OFDS IV; ORAL-FACIAL-DIGITAL SYNDROME, TYPE IV; Orofaciodigital syndrome IV. Identifiers: Orphanet 2753, MedGen C0406727, MONDO:0009794, OMIM 258860.

Submission:

Labcorp Genetics (formerly Invitae), Labcorp
Classification: Pathogenic for Joubert syndrome 18; Orofacial-digital syndrome IV. Last evaluated: 2024-01-02. Review status: criteria provided, single submitter. Criteria: Invitae Variant Classification Sherloc (09022015). Collection method: clinical testing. Allele origin: unknown.
Comment: This variant results in the deletion of exons 1-2 and part of exon 3 (c.-111_425del) of the TCTN3 gene. It is expected to result in an absent or disrupted protein product. Loss-of-function variants in TCTN3 are known to be pathogenic (PMID: 2692869, 22883145, 25118024). This variant has not been reported in the literature in individuals affected with TCTN3-related conditions. For these reasons, this variant has been classified as Pathogenic.

Literature cited by the submitters: PubMed 2692869; PubMed 22883145; PubMed 25118024.

NC_000010.10:g.(?_97452751)_(97453767_?)del

Gene: TCTN3 (tectonic family member 3; minus strand). Cytogenetic location: 10q24.1.
Variant type: Deletion.
Identifiers: ClinVar variation 3244905 (VCV003244905.1).